The following is an entry in ClinVar:

NM_175875.5(SIX5):c.1876G>A (p.Ala626Thr)

Gene: SIX5 (SIX homeobox 5; minus strand). Cytogenetic location: 19q13.32.
Variant type: single nucleotide variant.
Coding change: c.1876G>A on transcript NM_175875.5 (MANE Select); coding-DNA position 1876, G replaced by A.
Protein change: p.Ala626Thr; replaces alanine 626 with threonine.
Molecular consequence: missense variant.
Genome position (GRCh38, 1-based): chr19:45,765,845, C>T on the plus strand (G>A on the coding strand, the complement: SIX5 is on the minus strand). VCF-style: chr19-45765845-C-T. GRCh37 (hg19) VCF-style: chr19-46269103-C-T.
Other names: short protein forms A626T.
Identifiers: ClinVar variation 1467951 (VCV001467951.5), dbSNP rs751513858, ClinGen allele CA9520488.
Genomic context (GRCh38, chr19:45,765,845, plus strand): 5'-TGGGCAGGAGGCCAGGGGAGTCAGGGGAGAAGGGCAGGCTGGTGCTGGAGGTGGTGGCAG[C>T]GGCGGGGGGTGGCTGCTGTGCAGAAAGGGTGCCTAGGGCGTGAGCCTCTGGGAGAGCAGG-3'
Protein context (NP_787071.3, residues 616-636): TLSAQQPPPA[Ala626Thr]ATTSSTSLPF

ClinVar aggregate classification (germline): Uncertain significance. Review status: criteria provided, multiple submitters, no conflicts (2 of 4 stars). 2 submissions from 2 submitters: Uncertain significance (2). Last evaluated 2026-01-19.

Conditions:
Branchiootorenal syndrome 2 (BOR2). Identifiers: Orphanet 107, MedGen C1970479, MONDO:0012575, OMIM 610896.

Allele frequency attached by ClinVar (database versions not stated): ExAC 0.00002; gnomAD 0.00002; gnomAD exomes 0.00002; TOPMed 0.00002.
gnomAD v4.1: 30 of 1,599,930 alleles (0.0019%); highest among the groups gnomAD compares: East Asian, 0.0045%; no homozygotes.

Submissions (2):

Labcorp Genetics (formerly Invitae), Labcorp
Classification: Uncertain significance. Last evaluated: 2026-01-19. Review status: criteria provided, single submitter. Criteria: Invitae Variant Classification Sherloc (09022015). Collection method: clinical testing. Allele origin: germline.
Comment: This sequence change replaces alanine, which is neutral and non-polar, with threonine, which is neutral and polar, at codon 626 of the SIX5 protein (p.Ala626Thr). This variant is present in population databases (rs751513858, gnomAD 0.005%). This variant has not been reported in the literature in individuals affected with SIX5-related conditions. ClinVar contains an entry for this variant (Variation ID: 1467951). Invitae Evidence Modeling of protein sequence and biophysical properties (such as structural, functional, and spatial information, amino acid conservation, physicochemical variation, residue mobility, and thermodynamic stability) indicates that this missense variant is not expected to disrupt SIX5 protein function with a negative predictive value of 80%. In summary, the available evidence is currently insufficient to determine the role of this variant in disease. Therefore, it has been classified as a Variant of Uncertain Significance.

Fulgent Genetics
Classification: Uncertain significance for Branchiootorenal syndrome 2. Last evaluated: 2021-10-19. Review status: criteria provided, single submitter. Criteria: ACMG Guidelines, 2015. Collection method: clinical testing. Allele origin: unknown.